The following is an entry in ClinVar:

ClinVar aggregate classification (germline): Conflicting classifications of pathogenicity. Review status: criteria provided, conflicting classifications (1 of 4 stars). 2 submissions from 2 submitters: Pathogenic (1); Uncertain significance (1). Last evaluated 2024-12-23.

Conditions:
Sideroblastic anemia 2. Also called: Anemia, sideroblastic, 2, pyridoxine-refractory. Identifiers: Orphanet 260305, MedGen C4225425, MONDO:0008785, OMIM 205950.

Submissions (2):

Labcorp Genetics (formerly Invitae), Labcorp
Classification: Uncertain significance. Last evaluated: 2024-12-23. Review status: criteria provided, single submitter. Criteria: Invitae Variant Classification Sherloc (09022015). Collection method: clinical testing. Allele origin: germline.
Comment: This sequence change creates a premature translational stop signal (p.Cys223Trpfs*67) in the SLC25A38 gene. While this is not anticipated to result in nonsense mediated decay, it is expected to disrupt the last 82 amino acid(s) of the SLC25A38 protein. This variant is present in population databases (rs781372292, gnomAD 0.02%). This premature translational stop signal has been observed in individual(s) with congenital sideroblastic anemia (PMID: 34298585). ClinVar contains an entry for this variant (Variation ID: 1172480). In summary, the available evidence is currently insufficient to determine the role of this variant in disease. Therefore, it has been classified as a Variant of Uncertain Significance.

Mark Fleming Laboratory, Boston Children's Hospital
Classification: Pathogenic for Sideroblastic anemia 2. Last evaluated: 2021-06-01. Review status: criteria provided, single submitter. Criteria: ACMG Guidelines, 2015. Collection method: research. Allele origin: germline. Affected: yes.

Literature cited by the submitters: PubMed 34298585 (cited by Labcorp Genetics (formerly Invitae), Labcorp).

NM_017875.4(SLC25A38):c.669_682del (p.Cys223fs)

Gene: SLC25A38 (solute carrier family 25 member 38; plus strand). Cytogenetic location: 3p22.1.
Variant type: Deletion.
Coding change: c.669_682del on transcript NM_017875.4 (MANE Select); coding-DNA positions 669 to 682, 14 bases deleted (TGGGATATTTGCTG).
Protein change: p.Cys223fs; shifts the reading frame from cysteine 223.
Molecular consequence: frameshift variant. On other transcripts: intron variant (1).
Genome position (GRCh38, 1-based): chr3:39,394,453-39,394,466, TGGGATATTTGCTG deleted; deleting any 14 consecutive bases within chr3:39,394,449-39,394,466 gives the same sequence; the c. name uses the placement nearest the transcript's 3' end. VCF-style (leftmost placement, unchanged base first): chr3-39394448-AGCTGTGGGATATTT-A. GRCh37 (hg19) VCF-style: chr3-39435939-AGCTGTGGGATATTT-A.
Other names: c.626-1945_626-1932del (NM_001354798.2); short protein forms C223fs.
Identifiers: ClinVar variation 1172480 (VCV001172480.6), dbSNP rs781372292, ClinGen allele CA2327529.